The following is an entry in ClinVar:

ClinVar aggregate classification (germline): Likely benign. Review status: criteria provided, single submitter (1 of 4 stars). 2 submissions from 2 submitters: Likely benign (1). 1 of the submissions does not count toward it. Last evaluated 2024-09-04.

Conditions:
ZNF644-related disorder. Also called: ZNF644-related condition.

Allele frequency attached by ClinVar (database versions not stated): gnomAD exomes 0.00025; ExAC 0.00078; gnomAD 0.00269; 1000 Genomes Project 0.00280; 1000 Genomes Project 30x 0.00297; TOPMed 0.00315; ESP Exome Variant Server 0.00323.
gnomAD v4.1: 794 of 1,613,868 alleles (0.049%); highest among the groups gnomAD compares: African/African-American, 0.95%; 4 homozygotes.

Submissions (2):

Blueprint Genetics
Classification: Likely benign. Last evaluated: 2024-09-04. Review status: criteria provided, single submitter. Criteria: ACMG Guidelines, 2015. Collection method: clinical testing. Allele origin: germline.

PreventionGenetics, part of Exact Sciences
Classification: Benign for ZNF644-related condition. Last evaluated: 2020-01-02. Review status: no assertion criteria provided. Collection method: clinical testing. Allele origin: germline. Not counted in ClinVar's aggregate classification.
Comment: This variant is classified as benign based on ACMG/AMP sequence variant interpretation guidelines (Richards et al. 2015 PMID: 25741868, with internal and published modifications).

NM_201269.3(ZNF644):c.3324T>C (p.Ala1108=)

Gene: ZNF644 (zinc finger protein 644; minus strand). Cytogenetic location: 1p22.2.
Variant type: single nucleotide variant.
Coding change: c.3324T>C on transcript NM_201269.3 (MANE Select); coding-DNA position 3324, T replaced by C.
Protein change: p.Ala1108=; no amino-acid change (alanine 1108 retained).
Molecular consequence: synonymous variant. On other transcripts: intron variant (2).
Genome position (GRCh38, 1-based): chr1:90,937,849, A>G on the plus strand (T>C on the coding strand, the complement: ZNF644 is on the minus strand). VCF-style: chr1-90937849-A-G. GRCh37 (hg19) VCF-style: chr1-91403406-A-G.
Other names: c.23-19695T>C (NM_032186.5, NM_016620.4).
Identifiers: ClinVar variation 3049340 (VCV003049340.3), dbSNP rs151203549, ClinGen allele CA944835.